The following is an entry in ClinVar:

ClinVar aggregate classification (germline): Uncertain significance. Review status: criteria provided, multiple submitters, no conflicts (2 of 4 stars). 6 submissions from 6 submitters: Uncertain significance (6). Last evaluated 2025-10-19.

Conditions:
Catecholaminergic polymorphic ventricular tachycardia (CVPT). Also called: Catecholamine-induced polymorphic ventricular tachycardia. Identifiers: Orphanet 3286, MedGen C5574922, MONDO:0017990.
Cardiovascular phenotype. Identifiers: MedGen CN230736.
Cardiomyopathy (CMYO). Also called: Cardiomyopathies. Identifiers: Orphanet 167848, MedGen C0878544, MONDO:0004994, HP:0001638. Inheritance: Various modes of inheritance.
Catecholaminergic polymorphic ventricular tachycardia 1. Also called: RYR2-Related Catecholaminergic Polymorphic Ventricular Tachycardia; VENTRICULAR TACHYCARDIA, STRESS-INDUCED POLYMORPHIC 1; VENTRICULAR TACHYCARDIA, CATECHOLAMINERGIC POLYMORPHIC, 1, WITH OR WITHOUT ATRIAL DYSFUNCTION AND/OR DILATED CARDIOMYOPATHY. Identifiers: Orphanet 3286, MedGen C1631597, MONDO:0011484, OMIM 604772.

Allele frequency attached by ClinVar (database versions not stated): gnomAD exomes 0.00001; gnomAD 0.00003 and 0.00004; TOPMed 0.00007.

Submissions (6):

Labcorp Genetics (formerly Invitae), Labcorp
Classification: Uncertain significance for Catecholaminergic polymorphic ventricular tachycardia 1. Last evaluated: 2025-10-19. Review status: criteria provided, single submitter. Criteria: Invitae Variant Classification Sherloc (09022015). Collection method: clinical testing. Allele origin: germline.
Comment: This sequence change replaces leucine, which is neutral and non-polar, with phenylalanine, which is neutral and non-polar, at codon 49 of the RYR2 protein (p.Leu49Phe). This variant is not present in population databases (gnomAD no frequency). This variant has not been reported in the literature in individuals affected with RYR2-related conditions. ClinVar contains an entry for this variant (Variation ID: 178876). Invitae Evidence Modeling of protein sequence and biophysical properties (such as structural, functional, and spatial information, amino acid conservation, physicochemical variation, residue mobility, and thermodynamic stability) indicates that this missense variant is expected to disrupt RYR2 protein function with a positive predictive value of 95%. In summary, the available evidence is currently insufficient to determine the role of this variant in disease. Therefore, it has been classified as a Variant of Uncertain Significance.

Ambry Genetics
Classification: Uncertain significance for Cardiovascular phenotype. Last evaluated: 2025-04-22. Review status: criteria provided, single submitter. Criteria: Ambry Variant Classification Scheme 2023. Collection method: clinical testing. Allele origin: germline.
Comment: The p.L49F variant (also known as c.147G>C), located in coding exon 2 of the RYR2 gene, results from a G to C substitution at nucleotide position 147. The leucine at codon 49 is replaced by phenylalanine, an amino acid with highly similar properties. This amino acid position is highly conserved in available vertebrate species. In addition, the in silico prediction for this alteration is inconclusive. Since supporting evidence is limited at this time, the clinical significance of this alteration remains unclear.

All of Us Research Program, National Institutes of Health
Classification: Uncertain significance for Catecholaminergic polymorphic ventricular tachycardia. Last evaluated: 2024-08-06. Review status: criteria provided, single submitter. Criteria: ACMG Guidelines, 2015. Collection method: clinical testing. Allele origin: germline. Inheritance: Autosomal dominant inheritance. Observed: 14 variant alleles, 14 heterozygotes.
Comment: This missense variant replaces leucine with phenylalanine at codon 49 of the RYR2 protein. Computational prediction suggests that this variant may have deleterious impact on protein structure and function (internally defined REVEL score threshold >= 0.7, PMID: 27666373). To our knowledge, functional studies have not been reported for this variant. This variant has not been reported in individuals affected with RYR2-related disorders in the literature. This variant has not been identified in the general population by the Genome Aggregation Database (gnomAD). The available evidence is insufficient to determine the role of this variant in disease conclusively. Therefore, this variant is classified as a Variant of Uncertain Significance.

This study involves interpretation of variants in research participants for the purpose of population health screening. Participant phenotype was not available at the time of variant classification. Additional details can be found in publication PMID: 35346344, PMCID: PMC8962531

Color Diagnostics, LLC DBA Color Health
Classification: Uncertain significance for Cardiomyopathy. Last evaluated: 2024-03-06. Review status: criteria provided, single submitter. Criteria: ACMG Guidelines, 2015. Collection method: clinical testing. Allele origin: germline.
Comment: This missense variant replaces leucine with phenylalanine at codon 49 of the RYR2 protein. Computational prediction suggests that this variant may have deleterious impact on protein structure and function (internally defined REVEL score threshold >= 0.7, PMID: 27666373). To our knowledge, functional studies have not been reported for this variant. This variant has not been reported in individuals affected with RYR2-related disorders in the literature. This variant has not been identified in the general population by the Genome Aggregation Database (gnomAD). The available evidence is insufficient to determine the role of this variant in disease conclusively. Therefore, this variant is classified as a Variant of Uncertain Significance.

New York Genome Center
Classification: Uncertain significance for Catecholaminergic polymorphic ventricular tachycardia 1. Last evaluated: 2021-11-22. Review status: criteria provided, single submitter. Criteria: NYGC Assertion Criteria 2020. Collection method: clinical testing. Allele origin: inherited. Observed: 1 heterozygote. Study: CSER-NYCKidSeq. Segregation with disease observed.
Comment: The inherited c.147G>C (p.Leu49Phe) variant identified the RYR2 gene substitutes a highly conserved Leucine for Phenylalanine at amino acid 49/4968 (coding exon 2/105). This variant is absent from gnomAD and ExAC, suggesting it is not a common benign variant in the populations represented in these databases. In silico algorithms do not agree on the effect of this variant on the canonical transcript as it is predicted both Neutral (Provean; score: 0.69) and Damaging (SIFT; score: 0.000). It is reported twice in ClinVar as a Variant of Uncertain Significance (VarID: 178876), and to our current knowledge has not been identified in affected individuals in the literature. The Leu49 residue is located within the N-terminal region of RYR2, adjacent to the N-terminal domain, and varaints within this region have been implicated in cardiac arrhythmias [PMID: 17081562, PMID: 19926015].Given the lack of compelling evidence for the pathogenicity of the inherited c.147G>C (p.Leu49Phe) variant in RYR2, it is reported here as a Variant of Uncertain Significance.

Laboratory for Molecular Medicine, Mass General Brigham Personalized Medicine
Classification: Uncertain significance. Last evaluated: 2013-04-20. Review status: criteria provided, single submitter. Criteria: LMM Criteria. Collection method: clinical testing. Allele origin: germline. Observed: 1 variant allele.
Comment: The Leu49Phe variant in RYR2 has not been reported in individuals with cardiomyo pathy or in large population studies. Computational analyses (biochemical amino acid properties, conservation, AlignGVGD, PolyPhen2, and SIFT) do not provide st rong support for or against an impact to the protein. Additional studies are nee ded to fully assess the clinical significance of this variant.

NM_001035.3(RYR2):c.147G>C (p.Leu49Phe)

Gene: RYR2 (ryanodine receptor 2; plus strand). Cytogenetic location: 1q43.
Variant type: single nucleotide variant.
Coding change: c.147G>C on transcript NM_001035.3 (MANE Select); coding-DNA position 147, G replaced by C.
Protein change: p.Leu49Phe; replaces leucine 49 with phenylalanine.
Molecular consequence: missense variant.
Genome position (GRCh38, 1-based): chr1:237,270,595, G>C. VCF-style: chr1-237270595-G-C. GRCh37 (hg19) VCF-style: chr1-237433895-G-C.
Other names: short protein forms L49F.
Identifiers: ClinVar variation 178876 (VCV000178876.24), dbSNP rs727504508, ClinGen allele CA008402.